The following is an entry in ClinVar:

ClinVar aggregate classification (germline): Uncertain significance (1 of 4 stars; one submission).

gnomAD v4.1: 7 of 1,614,144 alleles (0.00043%); highest among the groups gnomAD compares: South Asian, 0.0044%; no homozygotes.

Submission:

Labcorp Genetics (formerly Invitae), Labcorp
Classification: Uncertain significance. Last evaluated: 2025-01-14. Review status: criteria provided, single submitter. Criteria: Invitae Variant Classification Sherloc (09022015). Collection method: clinical testing. Allele origin: germline.
Comment: This sequence change replaces glutamine, which is neutral and polar, with histidine, which is basic and polar, at codon 838 of the TBCK protein (p.Gln838His). This variant is present in population databases (rs750078575, gnomAD 0.01%). This variant has not been reported in the literature in individuals affected with TBCK-related conditions. Invitae Evidence Modeling of protein sequence and biophysical properties (such as structural, functional, and spatial information, amino acid conservation, physicochemical variation, residue mobility, and thermodynamic stability) indicates that this missense variant is not expected to disrupt TBCK protein function with a negative predictive value of 80%. In summary, the available evidence is currently insufficient to determine the role of this variant in disease. Therefore, it has been classified as a Variant of Uncertain Significance.

NM_001163435.3(TBCK):c.2514G>C (p.Gln838His)

Gene: TBCK (TBC1 domain containing kinase; minus strand). Cytogenetic location: 4q24.
Variant type: single nucleotide variant.
Coding change: c.2514G>C on transcript NM_001163435.3 (MANE Select); coding-DNA position 2514, G replaced by C.
Protein change: p.Gln838His; replaces glutamine 838 with histidine.
Molecular consequence: missense variant.
Genome position (GRCh38, 1-based): chr4:106,095,539, C>G on the plus strand (G>C on the coding strand, the complement: TBCK is on the minus strand). VCF-style: chr4-106095539-C-G. GRCh37 (hg19) VCF-style: chr4-107016696-C-G.
Other names: c.2514G>C, p.Gln838His (NM_001163436.4); c.2397G>C, p.Gln799His (NM_001163437.3); c.1998G>C, p.Gln666His (NM_001290768.2); c.2325G>C, p.Gln775His (NM_033115.5); short protein forms Q666H, Q838H, Q799H, Q775H.
Identifiers: ClinVar variation 3689290 (VCV003689290.2).